The following is an entry in ClinVar:

ClinVar aggregate classification (germline): Uncertain significance. Review status: criteria provided, multiple submitters, no conflicts (2 of 4 stars). 3 submissions from 3 submitters: Uncertain significance (3). Last evaluated 2024-03-06.

Conditions:
Cardiac arrhythmia. Also called: Arrhythmia; Cardiac rhythm disease. Identifiers: MedGen C0003811, MONDO:0007263, HP:0011675.
Long QT syndrome (LQTS). Identifiers: MedGen C0023976, MeSH D008133, MONDO:0002442. Disease mechanism: loss of function. Inheritance: Various modes of inheritance.

gnomAD v4.1: 10 of 1,565,520 alleles (0.00064%); highest among the groups gnomAD compares: Non-Finnish European, 0.00087%; no homozygotes.

Submissions (3):

Color Diagnostics, LLC DBA Color Health
Classification: Uncertain significance for Cardiac arrhythmia. Last evaluated: 2024-03-06. Review status: criteria provided, single submitter. Criteria: ACMG Guidelines, 2015. Collection method: clinical testing. Allele origin: germline.
Comment: This missense variant replaces glutamic acid with glycine at codon 1011 of the KCNH2 protein. Computational prediction suggests that this variant may have deleterious impact on protein structure and function (internally defined REVEL score threshold >= 0.7, PMID: 27666373). To our knowledge, functional studies have not been reported for this variant. This variant has not been reported in individuals affected with KCNH2-related disorders in the literature. This variant has not been identified in the general population by the Genome Aggregation Database (gnomAD). The available evidence is insufficient to determine the role of this variant in disease conclusively. Therefore, this variant is classified as a Variant of Uncertain Significance.

All of Us Research Program, National Institutes of Health
Classification: Uncertain significance for Long QT syndrome. Last evaluated: 2023-12-13. Review status: criteria provided, single submitter. Criteria: ACMG Guidelines, 2015. Collection method: clinical testing. Allele origin: germline. Inheritance: Autosomal dominant inheritance. Observed: 3 variant alleles, 3 heterozygotes.
Comment: This missense variant replaces glutamic acid with glycine at codon 1011 of the KCNH2 protein. Computational prediction suggests that this variant may have deleterious impact on protein structure and function (internally defined REVEL score threshold >= 0.7, PMID: 27666373). Splice site prediction tools suggest that this variant may not impact RNA splicing. To our knowledge, functional studies have not been reported for this variant. This variant has not been reported in individuals affected with cardiovascular disorders in the literature. This variant has not been identified in the general population by the Genome Aggregation Database (gnomAD). The available evidence is insufficient to determine the role of this variant in disease conclusively. Therefore, this variant is classified as a Variant of Uncertain Significance.

This study involves interpretation of variants in research participants for the purpose of population health screening. Participant phenotype was not available at the time of variant classification. Additional details can be found in publication PMID: 35346344, PMCID: PMC8962531

Labcorp Genetics (formerly Invitae), Labcorp
Classification: Uncertain significance for Long QT syndrome. Last evaluated: 2020-08-11. Review status: criteria provided, single submitter. Criteria: Invitae Variant Classification Sherloc (09022015). Collection method: clinical testing. Allele origin: germline.
Comment: In summary, the available evidence is currently insufficient to determine the role of this variant in disease. Therefore, it has been classified as a Variant of Uncertain Significance. This sequence change replaces glutamic acid with glycine at codon 1011 of the KCNH2 protein (p.Glu1011Gly). The glutamic acid residue is moderately conserved and there is a moderate physicochemical difference between glutamic acid and glycine. The frequency data for this variant in the population databases is considered unreliable, as metrics indicate insufficient coverage at this position in the ExAC database. This variant has not been reported in the literature in individuals with KCNH2-related conditions. ClinVar contains an entry for this variant (Variation ID: 922211). Algorithms developed to predict the effect of missense changes on protein structure and function are either unavailable or do not agree on the potential impact of this missense change (SIFT: "Deleterious"; PolyPhen-2: "Possibly Damaging"; Align-GVGD: "Class C0").

NM_000238.4(KCNH2):c.3032A>G (p.Glu1011Gly)

Gene: KCNH2 (potassium voltage-gated channel subfamily H member 2; minus strand). Cytogenetic location: 7q36.1.
Variant type: single nucleotide variant.
Coding change: c.3032A>G on transcript NM_000238.4 (MANE Select); coding-DNA position 3032, A replaced by G.
Protein change: p.Glu1011Gly; replaces glutamic acid 1011 with glycine.
Molecular consequence: missense variant.
Genome position (GRCh38, 1-based): chr7:150,947,448, T>C on the plus strand (A>G on the coding strand, the complement: KCNH2 is on the minus strand). VCF-style: chr7-150947448-T-C. GRCh37 (hg19) VCF-style: chr7-150644536-T-C.
Other names: c.2012A>G, p.Glu671Gly (NM_172057.3); short protein forms E671G, E1011G.
Identifiers: ClinVar variation 922211 (VCV000922211.17), dbSNP rs1800945318, ClinGen allele CA369852872.